The following is an entry in ClinVar:

NM_004304.5(ALK):c.1100C>G (p.Pro367Arg)

Gene: ALK (ALK receptor tyrosine kinase; minus strand). Cytogenetic location: 2p23.2.
Variant type: single nucleotide variant.
Coding change: c.1100C>G on transcript NM_004304.5 (MANE Select); coding-DNA position 1100, C replaced by G.
Protein change: p.Pro367Arg; replaces proline 367 with arginine.
Molecular consequence: missense variant.
Genome position (GRCh38, 1-based): chr2:29,531,969, G>C on the plus strand (C>G on the coding strand, the complement: ALK is on the minus strand). VCF-style: chr2-29531969-G-C. GRCh37 (hg19) VCF-style: chr2-29754835-G-C.
Other names: short protein forms P367R.
Identifiers: ClinVar variation 133482 (VCV000133482.19), dbSNP rs144030155, ClinGen allele CA156662.

ClinVar aggregate classification (germline): Conflicting classifications of pathogenicity. Review status: criteria provided, conflicting classifications (1 of 4 stars). 7 submissions from 7 submitters: Uncertain significance (2); Likely benign (3). 2 of the submissions do not count toward it. Last evaluated 2026-01-13.

Conditions:
ALK-related disorder. Also called: ALK-related condition.
Hereditary cancer-predisposing syndrome. Also called: Tumor predisposition; Hereditary neoplastic syndrome; Neoplastic Syndromes, Hereditary; Hereditary Cancer Syndrome. Identifiers: Orphanet 140162, MedGen C0027672, MeSH D009386, MONDO:0015356.
Neuroblastoma, susceptibility to, 3. Also called: ALK-Related Neuroblastic Tumor Susceptibility. Identifiers: Orphanet 635, MedGen C2751681, MONDO:0013083, OMIM 613014.

Allele frequency attached by ClinVar (database versions not stated): gnomAD exomes 0.00014; TOPMed 0.00017; gnomAD 0.00022 and 0.00023; ESP Exome Variant Server 0.00031; ExAC 0.00017.
gnomAD v4.1: 269 of 1,614,028 alleles (0.017%); highest among the groups gnomAD compares: South Asian, 0.031%; no homozygotes.

Submissions (7):

Labcorp Genetics (formerly Invitae), Labcorp
Classification: Uncertain significance for Neuroblastoma, susceptibility to, 3. Last evaluated: 2026-01-13. Review status: criteria provided, single submitter. Criteria: Invitae Variant Classification Sherloc (09022015). Collection method: clinical testing. Allele origin: germline.
Comment: This sequence change replaces proline, which is neutral and non-polar, with arginine, which is basic and polar, at codon 367 of the ALK protein (p.Pro367Arg). This variant is present in population databases (rs144030155, gnomAD 0.03%). This variant has not been reported in the literature in individuals affected with ALK-related conditions. ClinVar contains an entry for this variant (Variation ID: 133482). An algorithm developed to predict the effect of missense changes on protein structure and function (PolyPhen-2) suggests that this variant is likely to be disruptive. In summary, the available evidence is currently insufficient to determine the role of this variant in disease. Therefore, it has been classified as a Variant of Uncertain Significance.

St. Jude Molecular Pathology, St. Jude Children's Research Hospital
Classification: Uncertain significance for Neuroblastoma, susceptibility to, 3. Last evaluated: 2025-06-17. Review status: criteria provided, single submitter. Criteria: St. Jude Assertion Criteria 2020. Collection method: clinical testing. Allele origin: germline.
Comment: The ALK c.1100C>G p.(Pro367Arg) missense change has a maximum subpopulation frequency of 0.022% in gnomAD v2.1.1. The in silico tool REVEL predicts a benign effect on protein function, but to our knowledge this prediction has not been confirmed by functional studies. To our knowledge, this variant has not been reported in individuals with ALK-related neuroblastic tumor susceptibility. In summary, the evidence currently available is insufficient to determine the clinical significance of this variant. It has therefore been classified as of uncertain significance.

Ambry Genetics
Classification: Likely benign for Hereditary cancer-predisposing syndrome. Last evaluated: 2024-06-25. Review status: criteria provided, single submitter. Criteria: Ambry Variant Classification Scheme 2023. Collection method: clinical testing. Allele origin: germline.

GeneDx
Classification: Likely benign. Last evaluated: 2023-04-18. Review status: criteria provided, single submitter. Criteria: GeneDx Variant Classification Process June 2021. Collection method: clinical testing. Allele origin: germline. Affected: yes.
Comment: See Variant Classification Assertion Criteria.

Sema4
Classification: Likely benign for Hereditary cancer-predisposing syndrome. Last evaluated: 2021-06-13. Review status: criteria provided, single submitter. Criteria: Sema4 Curation Guidelines. Collection method: curation. Allele origin: germline.

PreventionGenetics, part of Exact Sciences
Classification: Uncertain significance for ALK-related condition. Last evaluated: 2024-07-10. Review status: no assertion criteria provided. Collection method: clinical testing. Allele origin: germline. Not counted in ClinVar's aggregate classification.
Comment: The ALK c.1100C>G variant is predicted to result in the amino acid substitution p.Pro367Arg. To our knowledge, this variant has not been reported in the literature. This variant is reported in 0.022% of alleles in individuals of European (Non-Finnish) descent in gnomAD. This variant has conflicting classifications of Likely Benign and Uncertain Significance in ClinVar. Although we suspect that this variant may be benign, at this time, the clinical significance of this variant is uncertain due to the absence of conclusive functional and genetic evidence.

ITMI
No classification provided. Condition: AllHighlyPenetrant. Last evaluated: 2013-09-19. Review status: no classification provided. Collection method: reference population. Allele origin: germline. Not counted in ClinVar's aggregate classification.
Comment: Please see associated publication for description of ethnicities

Literature cited by the submitters: PubMed 24728327 (cited by ITMI).